The following is an entry in ClinVar:

ClinVar aggregate classification (germline): Uncertain significance (1 of 4 stars; one submission).

Conditions:
Hereditary sensory and autonomic neuropathy type 6. Also called: HSAN VI; Neuropathy, hereditary sensory and autonomic, type VI. Identifiers: Orphanet 314381, MedGen C3539003, MONDO:0013839, OMIM 614653.
Epidermolysis bullosa simplex 3, localized or generalized intermediate, with BP230 deficiency (EBS3). Also called: Epidermolysis bullosa simplex, autosomal recessive 2; Epidermolysis bullosa simplex due to BP230 deficiency. Identifiers: Orphanet 412181, MedGen C3809470, MONDO:0014180, OMIM 615425.

Submission:

Labcorp Genetics (formerly Invitae), Labcorp
Classification: Uncertain significance for Epidermolysis bullosa simplex 3, localized or generalized intermediate, with BP230 deficiency; Hereditary sensory and autonomic neuropathy type 6. Last evaluated: 2022-03-26. Review status: criteria provided, single submitter. Criteria: Invitae Variant Classification Sherloc (09022015). Collection method: clinical testing. Allele origin: germline.
Comment: Experimental studies and prediction algorithms are not available or were not evaluated, and the functional significance of this variant is currently unknown. This variant has not been reported in the literature in individuals affected with DST-related conditions. This variant is not present in population databases (gnomAD no frequency). This sequence change replaces serine, which is neutral and polar, with threonine, which is neutral and polar, at codon 3811 of the DST protein (p.Ser3811Thr). The DST gene has multiple clinically relevant transcripts. This variant occurs in alternate transcript NM_015548.4, and corresponds to NM_001723.5:c.*108788T>A in the primary transcript. In summary, the available evidence is currently insufficient to determine the role of this variant in disease. Therefore, it has been classified as a Variant of Uncertain Significance.

NM_001374736.1(DST):c.19300T>A (p.Ser6434Thr)

Gene: DST (dystonin; minus strand). Cytogenetic location: 6p12.1.
Variant type: single nucleotide variant.
Coding change: c.19300T>A on transcript NM_001374736.1 (MANE Select); coding-DNA position 19300, T replaced by A.
Protein change: p.Ser6434Thr; replaces serine 6434 with threonine.
Molecular consequence: missense variant.
Genome position (GRCh38, 1-based): chr6:56,506,729, A>T on the plus strand (T>A on the coding strand, the complement: DST is on the minus strand). VCF-style: chr6-56506729-A-T. GRCh37 (hg19) VCF-style: chr6-56371527-A-T.
Other names: c.12943T>A, p.Ser4315Thr (NM_001144769.5); c.12529T>A, p.Ser4177Thr (NM_001144770.2); c.19300T>A, p.Ser6434Thr (NM_001374722.1); c.18340T>A, p.Ser6114Thr (NM_001374729.1); c.12082T>A, p.Ser4028Thr (NM_001374730.1); c.19327T>A, p.Ser6443Thr (NM_001374734.1); c.12409T>A, p.Ser4137Thr (NM_001386100.1, NM_183380.4); c.11431T>A, p.Ser3811Thr (NM_015548.5); short protein forms S4137T, S6443T, S4028T, S4315T, S4177T, S6114T, S3811T, S6434T.
Identifiers: ClinVar variation 2117463 (VCV002117463.4), dbSNP rs2534268896, ClinGen allele CA364522810.